The following is an entry in ClinVar:

ClinVar aggregate classification (germline): Uncertain significance (1 of 4 stars; one submission).

Conditions:
Hereditary cancer-predisposing syndrome. Also called: Tumor predisposition; Hereditary Cancer Syndrome; Neoplastic Syndromes, Hereditary; Hereditary neoplastic syndrome. Identifiers: Orphanet 140162, MedGen C0027672, MeSH D009386, MONDO:0015356.

Submission:

Molecular Diagnostics Laboratory, Catalan Institute of Oncology
Classification: Uncertain significance for Hereditary cancer-predisposing syndrome. Last evaluated: 2024-12-16. Review status: criteria provided, single submitter. Criteria: Submitter's publication. Collection method: clinical testing. Allele origin: germline.
Comment: PP3, PM2_Supporting, PP4_Moderate c.884T>G is located in exon 13 of the POLE gene, is predicted to result in the substitution of methionine by arginine at codon 295, p.(Met295Arg). It is not present in the population database gnomAD v2.1.1, non cancer dataset (PM2_supporting). The SpliceAI algorithm predicts no significant impact on splicing and the REVEL meta-predictor score for this variant (0.787) suggests a deleterious effect on protein function (PP3). In addition, c.884T>G has been identified as a somatic mutation in several endometrial carcinoma (PMID: 38463556, PMID: 26763250). Whole Exome Sequencing in a tumour (MSI) from TGCA database carrying this variant showed that all of them are hyper or ultramutated and have >50% of combined contribution of signature SBS10 and SBS14 (PMID: 32792570 and PMID: 38463556)(PP4_Moderate). To our knowledge, functional studies have not been reported for this variant.). The variant has not been identified neither ClinVar nor LOVD databases. Based on currently available information, the variant c.884T>G is classified as an uncertain significance variant according to POLE/POLD1 Guidelines (PMID 37848928).

NM_006231.4(POLE):c.884T>G (p.Met295Arg)

Gene: POLE (DNA polymerase epsilon, catalytic subunit; minus strand). Cytogenetic location: 12q24.33.
Variant type: single nucleotide variant.
Coding change: c.884T>G on transcript NM_006231.4 (MANE Select); coding-DNA position 884, T replaced by G.
Protein change: p.Met295Arg; replaces methionine 295 with arginine.
Molecular consequence: missense variant.
Genome position (GRCh38, 1-based): chr12:132,676,571, A>C on the plus strand (T>G on the coding strand, the complement: POLE is on the minus strand). VCF-style: chr12-132676571-A-C. GRCh37 (hg19) VCF-style: chr12-133253157-A-C.
Other names: short protein forms M295R.
Identifiers: ClinVar variation 3774406 (VCV003774406.1).
Genomic context (GRCh38, chr12:132,676,571, plus strand): 5'-CCCAGGAGCTTACTTCCCAGAAGCCACCTGCTCACCTGGCCATCGATCATGTAGGAAATC[A>C]TCATAATCTGGTCTGTCTCAGCATCAGGAAACTTGAGGGGCAGTTTGGTCGTCTCAATGT-3'
Protein context (NP_006222.2, residues 285-305): FPDAETDQIM[Met295Arg]ISYMIDGQGY